The following is an entry in ClinVar:

ClinVar aggregate classification (germline): Uncertain significance. Review status: criteria provided, multiple submitters, no conflicts (2 of 4 stars). 2 submissions from 2 submitters: Uncertain significance (2). Last evaluated 2024-04-01.

Conditions:
Fanconi anemia (FA). Also called: Fanconi's anemia. Identifiers: Orphanet 84, MedGen C0015625, MeSH D005199, MONDO:0019391.
Fanconi anemia complementation group P. Also called: SLX4-Related Fanconi Anemia. Identifiers: Orphanet 84, MedGen C3469542, MONDO:0013499, OMIM 613951.

Submissions (2):

Labcorp Genetics (formerly Invitae), Labcorp
Classification: Uncertain significance for Fanconi anemia. Last evaluated: 2024-04-01. Review status: criteria provided, single submitter. Criteria: Invitae Variant Classification Sherloc (09022015). Collection method: clinical testing. Allele origin: germline.
Comment: This sequence change replaces leucine, which is neutral and non-polar, with valine, which is neutral and non-polar, at codon 1237 of the SLX4 protein (p.Leu1237Val). This variant is not present in population databases (gnomAD no frequency). This variant has not been reported in the literature in individuals affected with SLX4-related conditions. An algorithm developed to predict the effect of missense changes on protein structure and function (PolyPhen-2) suggests that this variant is likely to be disruptive. In summary, the available evidence is currently insufficient to determine the role of this variant in disease. Therefore, it has been classified as a Variant of Uncertain Significance.

Fulgent Genetics
Classification: Uncertain significance for Fanconi anemia complementation group P. Last evaluated: 2024-02-18. Review status: criteria provided, single submitter. Criteria: ACMG Guidelines, 2015. Collection method: clinical testing. Allele origin: germline.

NM_032444.4(SLX4):c.3709C>G (p.Leu1237Val)

Gene: SLX4 (SLX4 structure-specific endonuclease subunit; minus strand). Cytogenetic location: 16p13.3.
Variant type: single nucleotide variant.
Coding change: c.3709C>G on transcript NM_032444.4 (MANE Select); coding-DNA position 3709, C replaced by G.
Protein change: p.Leu1237Val; replaces leucine 1237 with valine.
Molecular consequence: missense variant.
Genome position (GRCh38, 1-based): chr16:3,589,929, G>C on the plus strand (C>G on the coding strand, the complement: SLX4 is on the minus strand). VCF-style: chr16-3589929-G-C. GRCh37 (hg19) VCF-style: chr16-3639930-G-C.
Other names: short protein forms L1237V.
Identifiers: ClinVar variation 3580478 (VCV003580478.2).